The following is an entry in ClinVar:

ClinVar aggregate classification (germline): Uncertain significance. Review status: criteria provided, multiple submitters, no conflicts (2 of 4 stars). 3 submissions from 3 submitters: Uncertain significance (3). Last evaluated 2026-03-18.

Conditions:
Malignant hyperthermia, susceptibility to, 1 (MHS1). Also called: Anesthesia related hyperthermia; Malignant hyperpyrexia; Fulminating hyperpyrexia; Pharmacogenic myopathy; RYR1-Related Malignant Hyperthermia Susceptibility; Malignant hyperthermia suceptibility 1. Identifiers: Orphanet 423, MedGen C2930980, MONDO:0007783, OMIM 145600.
Central core myopathy (CMYO1A). Also called: CONGENITAL MYOPATHY 1A, AUTOSOMAL DOMINANT, WITH SUSCEPTIBILITY TO MALIGNANT HYPERTHERMIA; Central core disease; Myopathy, central fibrillar. Identifiers: Orphanet 597, MedGen C5830701, MONDO:0007294, OMIM 117000.
Congenital multicore myopathy with external ophthalmoplegia (CMYO1B). Also called: MULTICORE MYOPATHY; Minicore myopathy with external ophthalmoplegia; Congenital myopathy 1B, autosomal recessive; Minicore myopathy; MULTIMINICORE DISEASE WITH EXTERNAL OPHTHALMOPLEGIA. Identifiers: Orphanet 598, Orphanet 98905, MedGen C1850674, MONDO:0009712, OMIM 255320, HP:0003789.

gnomAD v4.1: 1 of 1,598,276 alleles (0.000063%); highest among the groups gnomAD compares: Non-Finnish European, 0.000085%; no homozygotes.

Submissions (3):

Clinical Genomics Laboratory, Washington University in St. Louis
Classification: Uncertain significance for Central core myopathy; Congenital multicore myopathy with external ophthalmoplegia. Last evaluated: 2026-03-18. Review status: criteria provided, single submitter. Criteria: ACMG Guidelines, 2015. Collection method: clinical testing. Allele origin: germline.
Comment: The RYR1 c.10241G>T (p.Arg3414Leu) variant, to our knowledge, has not been reported in the medical literature. This variant has been reported in the ClinVar database as a germline variant of uncertain significance by one submitter. This variant is only observed in 1/1,598,276 alleles in the general population (gnomAD v4.1.0), indicating it is not a common variant. Computational predictors indicate that the variant is damaging, evidence that correlates with impact to RYR1 function. Due to limited information, and based on the ClinGen Congenital Myopathies Expert Panel Specifications to the ACMG/AMP Variant Interpretation Guidelines for RYR1 Version 2.0.0, the clinical significance of this variant is uncertain at this time.

Color Diagnostics, LLC DBA Color Health
Classification: Uncertain significance for Malignant hyperthermia, susceptibility to, 1. Last evaluated: 2025-08-30. Review status: criteria provided, single submitter. Criteria: ACMG Guidelines, 2015. Collection method: clinical testing. Allele origin: germline.
Comment: This missense variant replaces arginine with leucine at codon 3414 of the RYR1 protein. Computational prediction suggests that this variant may have deleterious impact on protein structure and function. To our knowledge, functional studies have not been reported for this variant. This variant has not been reported in individuals affected with RYR1-related disorders in the literature. This variant has not been identified in the general population by the Genome Aggregation Database (gnomAD). The available evidence is insufficient to determine the role of this variant in disease conclusively. Therefore, this variant is classified as a Variant of Uncertain Significance.

All of Us Research Program, National Institutes of Health
Classification: Uncertain significance for Malignant hyperthermia, susceptibility to, 1. Last evaluated: 2023-08-28. Review status: criteria provided, single submitter. Criteria: ACMG Guidelines, 2015. Collection method: clinical testing. Allele origin: germline. Inheritance: Autosomal dominant inheritance. Observed: 1 variant allele, 1 heterozygote.
Comment: This missense variant replaces arginine with leucine at codon 3414 of the RYR1 protein. Computational prediction suggests that this variant may have deleterious impact on protein structure and function (internally defined REVEL score threshold >= 0.7, PMID: 27666373). To our knowledge, functional studies have not been reported for this variant. This variant has not been reported in individuals affected with RYR1-related disorders in the literature. This variant has not been identified in the general population by the Genome Aggregation Database (gnomAD). The available evidence is insufficient to determine the role of this variant in disease conclusively. Therefore, this variant is classified as a Variant of Uncertain Significance.

This study involves interpretation of variants in research participants for the purpose of population health screening. Participant phenotype was not available at the time of variant classification. Additional details can be found in publication PMID: 35346344, PMCID: PMC8962531

NM_000540.3(RYR1):c.10241G>T (p.Arg3414Leu)

Gene: RYR1 (ryanodine receptor 1; plus strand). Cytogenetic location: 19q13.2.
Variant type: single nucleotide variant.
Coding change: c.10241G>T on transcript NM_000540.3 (MANE Select); coding-DNA position 10241, G replaced by T.
Protein change: p.Arg3414Leu; replaces arginine 3414 with leucine.
Molecular consequence: missense variant.
Genome position (GRCh38, 1-based): chr19:38,519,436, G>T. VCF-style: chr19-38519436-G-T. GRCh37 (hg19) VCF-style: chr19-39010076-G-T.
Other names: c.10241G>T, p.Arg3414Leu (NM_001042723.2); short protein forms R3414L.
Identifiers: ClinVar variation 3073185 (VCV003073185.3), dbSNP rs142618623, ClinGen allele CA405696685.